The following is an entry in ClinVar:

ClinVar aggregate classification (germline): Conflicting classifications of pathogenicity. Review status: criteria provided, conflicting classifications (1 of 4 stars). 4 submissions from 4 submitters: Uncertain significance (3); Likely benign (1). Last evaluated 2025-08-06.

Conditions:
Cardiovascular phenotype. Identifiers: MedGen CN230736.
Arrhythmogenic right ventricular dysplasia 5. Also called: Arrhythmogenic Right Ventricular Dysplasia/Cardiomyopathy 5; ARRHYTHMOGENIC RIGHT VENTRICULAR DYSPLASIA, FAMILIAL, 5. Identifiers: MedGen C1858379, MONDO:0011459, OMIM 604400.
Cardiomyopathy (CMYO). Also called: Cardiomyopathies. Identifiers: Orphanet 167848, MedGen C0878544, MONDO:0004994, HP:0001638. Inheritance: Various modes of inheritance.

Allele frequency attached by ClinVar (database versions not stated): gnomAD exomes below 0.00001; gnomAD 0.00001.
gnomAD v4.1: 7 of 1,613,556 alleles (0.00043%); highest among the groups gnomAD compares: Non-Finnish European, 0.00059%; no homozygotes.

Submissions (4):

Labcorp Genetics (formerly Invitae), Labcorp
Classification: Uncertain significance for Arrhythmogenic right ventricular dysplasia 5. Last evaluated: 2025-08-06. Review status: criteria provided, single submitter. Criteria: Invitae Variant Classification Sherloc (09022015). Collection method: clinical testing. Allele origin: germline.
Comment: This sequence change replaces serine, which is neutral and polar, with glycine, which is neutral and non-polar, at codon 79 of the TMEM43 protein (p.Ser79Gly). This variant is present in population databases (no rsID available, gnomAD 0.0009%). This variant has not been reported in the literature in individuals affected with TMEM43-related conditions. ClinVar contains an entry for this variant (Variation ID: 944366). Invitae Evidence Modeling of protein sequence and biophysical properties (such as structural, functional, and spatial information, amino acid conservation, physicochemical variation, residue mobility, and thermodynamic stability) indicates that this missense variant is not expected to disrupt TMEM43 protein function with a negative predictive value of 80%. In summary, the available evidence is currently insufficient to determine the role of this variant in disease. Therefore, it has been classified as a Variant of Uncertain Significance.

Ambry Genetics
Classification: Likely benign for Cardiovascular phenotype. Last evaluated: 2025-03-14. Review status: criteria provided, single submitter. Criteria: Ambry Variant Classification Scheme 2023. Collection method: clinical testing. Allele origin: germline.

Blueprint Genetics
Classification: Uncertain significance. Last evaluated: 2024-05-02. Review status: criteria provided, single submitter. Criteria: ACMG Guidelines, 2015. Collection method: clinical testing. Allele origin: germline.

Color Diagnostics, LLC DBA Color Health
Classification: Uncertain significance for Cardiomyopathy. Last evaluated: 2024-01-25. Review status: criteria provided, single submitter. Criteria: ACMG Guidelines, 2015. Collection method: clinical testing. Allele origin: germline.
Comment: This missense variant replaces serine with glycine at codon 79 of the TMEM43 protein. Computational prediction suggests that this variant may not impact protein structure and function. To our knowledge, functional studies have not been reported for this variant. This variant has not been reported in individuals affected with TMEM43-related disorders in the literature. This variant has been identified in 1/251024 chromosomes in the general population by the Genome Aggregation Database (gnomAD). The available evidence is insufficient to determine the role of this variant in disease conclusively. Therefore, this variant is classified as a Variant of Uncertain Significance.

NM_024334.3(TMEM43):c.235A>G (p.Ser79Gly)

Gene: TMEM43 (transmembrane protein 43; plus strand). Cytogenetic location: 3p25.1.
Variant type: single nucleotide variant.
Coding change: c.235A>G on transcript NM_024334.3 (MANE Select); coding-DNA position 235, A replaced by G.
Protein change: p.Ser79Gly; replaces serine 79 with glycine.
Molecular consequence: missense variant.
Genome position (GRCh38, 1-based): chr3:14,130,894, A>G. VCF-style: chr3-14130894-A-G. GRCh37 (hg19) VCF-style: chr3-14172394-A-G.
Other names: short protein forms S79G.
Identifiers: ClinVar variation 944366 (VCV000944366.13), dbSNP rs930770110, ClinGen allele CA351534624.